The following is an entry in ClinVar:

ClinVar aggregate classification (germline): Pathogenic (1 of 4 stars; one submission).

Conditions:
Kabuki syndrome 2 (KABUK2). Also called: KDM6A-Related Kabuki Syndrome. Identifiers: Orphanet 2322, MedGen C3275495, MONDO:0010465, OMIM 300867.

Submission:

Greenwood Genetic Center Diagnostic Laboratories, Greenwood Genetic Center
Classification: Pathogenic for Kabuki syndrome 2. Last evaluated: 2024-01-09. Review status: criteria provided, single submitter. Criteria: ACMG Guidelines, 2015. Collection method: clinical testing. Allele origin: germline. Affected: yes.
Comment: PVS1, PS2, PM2

NM_001291415.2(KDM6A):c.2276del (p.Gly759fs)

Gene: KDM6A (lysine demethylase 6A; plus strand). Cytogenetic location: Xp11.3.
Variant type: Deletion.
Coding change: c.2276del on transcript NM_001291415.2 (MANE Select); coding-DNA position 2276, one base deleted (G; older notation c.2276delG).
Protein change: p.Gly759fs; shifts the reading frame from glycine 759.
Molecular consequence: frameshift variant. On other transcripts: non-coding transcript variant (1).
Genome position (GRCh38, 1-based): chrX:45,069,775, G deleted; the last of 2 consecutive G bases (chrX:45,069,774-45,069,775); deleting either gives the same sequence. VCF-style (leftmost placement, unchanged base first): chrX-45069773-AG-A. GRCh37 (hg19) VCF-style: chrX-44929018-AG-A.
Other names: c.1883del, p.Gly628fs (NM_001291418.2, NM_001419815.1); c.1232del, p.Gly411fs (NM_001291421.2); c.2018del, p.Gly673fs (NM_001410742.1, NM_001419814.1); c.2276del, p.Gly759fs (NM_001419809.1); c.2174del, p.Gly725fs (NM_001419810.1, NM_001419813.1); c.2141del, p.Gly714fs (NM_001419811.1, NM_001291416.2); c.2120del, p.Gly707fs (NM_001419812.1, NM_021140.4); c.1985del, p.Gly662fs (NM_001291417.2); short protein forms G411fs, G628fs, G662fs, G673fs, G707fs, G714fs, G725fs, G759fs.
Identifiers: ClinVar variation 3235792 (VCV003235792.1), dbSNP rs2522976055, ClinGen allele CA2825002943.
Genomic context (GRCh38, chrX:45,069,773, plus strand): 5'-TAGCAATTCAGTAACACAGGGGGCTGCTCTCAATCACCTCTCCTCTCACACTGCTACCTC[AG>A]GTGGACAACAAGGCATTACCTTAACCAAAGAGAGCAAGCCTTCAGGAAACATATTGACGG-3'